The following is an entry in ClinVar:

NM_001360016.2(G6PD):c.497G>A (p.Arg166His)

Gene: G6PD (glucose-6-phosphate dehydrogenase; minus strand). Cytogenetic location: Xq28.
Variant type: single nucleotide variant.
Coding change: c.497G>A on transcript NM_001360016.2 (MANE Select); coding-DNA position 497, G replaced by A.
Protein change: p.Arg166His; replaces arginine 166 with histidine.
Molecular consequence: missense variant.
Genome position (GRCh38, 1-based): chrX:154,534,485, C>T on the plus strand (G>A on the coding strand, the complement: G6PD is on the minus strand). VCF-style: chrX-154534485-C-T. GRCh37 (hg19) VCF-style: chrX-153762700-C-T.
Other names: G6PD Naone; c.587G>A, p.Arg196His (NM_000402.4); c.497G>A, p.Arg166His (NM_001042351.3); short protein forms R166H, R196H.
Identifiers: ClinVar variation 1722734 (VCV001722734.6), dbSNP rs2523268414, ClinGen allele CA415238184.

ClinVar aggregate classification (germline): Pathogenic/Likely pathogenic. Review status: criteria provided, multiple submitters, no conflicts (2 of 4 stars). 3 submissions from 3 submitters: Pathogenic (1); Likely pathogenic (2). Last evaluated 2023-10-22.

Conditions:
Anemia, nonspherocytic hemolytic, due to G6PD deficiency (CNSHA1). Also called: Hemolytic anemia due to G6PD deficiency; Class I glucose-6-phosphate dehydrogenase deficiency; Favism, susceptibility to; ANEMIA, CONGENITAL, NONSPHEROCYTIC HEMOLYTIC, 1. Identifiers: Orphanet 466026, MedGen C2720289, MONDO:0010480, OMIM 300908.
Malaria, susceptibility to. Identifiers: Orphanet 673, MedGen C1970028, MONDO:0021024, OMIM 611162.

Submissions (3):

Labcorp Genetics (formerly Invitae), Labcorp
Classification: Pathogenic for Anemia, nonspherocytic hemolytic, due to G6PD deficiency. Last evaluated: 2023-10-22. Review status: criteria provided, single submitter. Criteria: Invitae Variant Classification Sherloc (09022015). Collection method: clinical testing. Allele origin: germline.
Comment: This sequence change replaces arginine, which is basic and polar, with histidine, which is basic and polar, at codon 166 of the G6PD protein (p.Arg166His). This variant is not present in population databases (gnomAD no frequency). This missense change has been observed in individual(s) with glucose-6-phosphate dehydrogenase deficiency (PMID: 7825590). This variant is also known as Naone. ClinVar contains an entry for this variant (Variation ID: 1722734). Advanced modeling of protein sequence and biophysical properties (such as structural, functional, and spatial information, amino acid conservation, physicochemical variation, residue mobility, and thermodynamic stability) performed at Invitae indicates that this missense variant is expected to disrupt G6PD protein function with a positive predictive value of 95%. This variant disrupts the p.Arg166 amino acid residue in G6PD. Other variant(s) that disrupt this residue have been determined to be pathogenic (PMID: 22139979, 36353116). This suggests that this residue is clinically significant, and that variants that disrupt this residue are likely to be disease-causing. For these reasons, this variant has been classified as Pathogenic.

Baylor Genetics
Classification: Likely pathogenic for Malaria, susceptibility to. Last evaluated: 2023-04-14. Review status: criteria provided, single submitter. Criteria: ACMG Guidelines, 2015. Collection method: clinical testing. Allele origin: unknown.

Dunham Lab, University of Washington
Classification: Likely pathogenic for Anemia, nonspherocytic hemolytic, due to G6PD deficiency. Last evaluated: 2022-08-12. Review status: criteria provided, single submitter. Criteria: Bayesian ACMG Guidelines, 2018. Collection method: curation. Allele origin: inherited. Affected: yes.
Comment: Decreased activity in red blood cells of hemizygote (1%) (PS3). Not observed in gnomAD (PM2). Post_P 0.975 (odds of pathogenicity 350.3, Prior_P 0.1).

Literature cited by the submitters: PubMed 7825590 (cited by Labcorp Genetics (formerly Invitae), Labcorp and Dunham Lab, University of Washington); PubMed 22139979 (cited by Labcorp Genetics (formerly Invitae), Labcorp); PubMed 36353116 (cited by Labcorp Genetics (formerly Invitae), Labcorp).